The following is an entry in ClinVar:

ClinVar aggregate classification (germline): Uncertain significance (1 of 4 stars; one submission).

Conditions:
Multiple gastrointestinal atresias. Also called: Multiple intestinal atresia; FAMILIAL INTESTINAL POLYATRESIA SYNDROME. Identifiers: Orphanet 2300, MedGen C0220744, MONDO:0009465.

Allele frequency attached by ClinVar (database versions not stated): gnomAD 0.00001; TOPMed 0.00001; gnomAD exomes 0.00003; ExAC 0.00004.
gnomAD v4.1: 19 of 1,612,148 alleles (0.0012%); highest among the groups gnomAD compares: East Asian, 0.042%; no homozygotes.

Submission:

Labcorp Genetics (formerly Invitae), Labcorp
Classification: Uncertain significance for Multiple gastrointestinal atresias. Last evaluated: 2024-02-24. Review status: criteria provided, single submitter. Criteria: Invitae Variant Classification Sherloc (09022015). Collection method: clinical testing. Allele origin: germline.
Comment: This sequence change replaces isoleucine, which is neutral and non-polar, with valine, which is neutral and non-polar, at codon 854 of the TTC7A protein (p.Ile854Val). This variant is present in population databases (no rsID available, gnomAD 0.04%). This variant has not been reported in the literature in individuals affected with TTC7A-related conditions. ClinVar contains an entry for this variant (Variation ID: 935737). Advanced modeling of protein sequence and biophysical properties (such as structural, functional, and spatial information, amino acid conservation, physicochemical variation, residue mobility, and thermodynamic stability) has been performed at Invitae for this missense variant, however the output from this modeling did not meet the statistical confidence thresholds required to predict the impact of this variant on TTC7A protein function. In summary, the available evidence is currently insufficient to determine the role of this variant in disease. Therefore, it has been classified as a Variant of Uncertain Significance.

NM_020458.4(TTC7A):c.2560A>G (p.Ile854Val)

Gene: TTC7A (tetratricopeptide repeat domain 7A; plus strand). Cytogenetic location: 2p21.
Variant type: single nucleotide variant.
Coding change: c.2560A>G on transcript NM_020458.4 (MANE Select); coding-DNA position 2560, A replaced by G.
Protein change: p.Ile854Val; replaces isoleucine 854 with valine.
Molecular consequence: missense variant.
Genome position (GRCh38, 1-based): chr2:47,073,906, A>G. VCF-style: chr2-47073906-A-G. GRCh37 (hg19) VCF-style: chr2-47301045-A-G.
Other names: c.2632A>G, p.Ile878Val (NM_001288951.2); c.2458A>G, p.Ile820Val (NM_001288953.2); c.1498A>G, p.Ile500Val (NM_001288955.2); short protein forms I878V, I820V, I854V, I500V.
Identifiers: ClinVar variation 935737 (VCV000935737.9), dbSNP rs1412412264, ClinGen allele CA1648198.